The following is an entry in ClinVar:

ClinVar aggregate classification (germline): Pathogenic (1 of 4 stars; one submission).

Conditions:
Developmental and epileptic encephalopathy 94 (DEE94). Also called: CHD2-Related Neurodevelopmental Disorders; Epileptic encephalopathy, childhood-onset. Identifiers: Orphanet 1942, Orphanet 2382, MedGen C3809278, MONDO:0014150, OMIM 615369.

Submission:

Labcorp Genetics (formerly Invitae), Labcorp
Classification: Pathogenic for Developmental and epileptic encephalopathy 94. Last evaluated: 2024-06-11. Review status: criteria provided, single submitter. Criteria: Invitae Variant Classification Sherloc (09022015). Collection method: clinical testing. Allele origin: germline.
Comment: This sequence change creates a premature translational stop signal (p.Cys1505*) in the CHD2 gene. It is expected to result in an absent or disrupted protein product. Loss-of-function variants in CHD2 are known to be pathogenic (PMID: 23708187, 24207121). This variant is not present in population databases (gnomAD no frequency). This variant has not been reported in the literature in individuals affected with CHD2-related conditions. For these reasons, this variant has been classified as Pathogenic.

Literature cited by the submitters: PubMed 23708187; PubMed 24207121.

NM_001271.4(CHD2):c.4515C>A (p.Cys1505Ter)

Gene: CHD2 (chromodomain helicase DNA binding protein 2; plus strand). Cytogenetic location: 15q26.1.
Variant type: single nucleotide variant.
Coding change: c.4515C>A on transcript NM_001271.4 (MANE Select); coding-DNA position 4515, C replaced by A.
Protein change: p.Cys1505Ter; replaces cysteine 1505 with a stop codon.
Molecular consequence: nonsense.
Genome position (GRCh38, 1-based): chr15:93,009,246, C>A. VCF-style: chr15-93009246-C-A. GRCh37 (hg19) VCF-style: chr15-93552476-C-A.
Other names: short protein forms C1505*.
Identifiers: ClinVar variation 3656232 (VCV003656232.2).